The following is an entry in ClinVar:

ClinVar aggregate classification (germline): Benign. Review status: reviewed by expert panel (3 of 4 stars). 8 submissions from 8 submitters: Benign (1). 7 of the submissions do not count toward it. Last evaluated 2022-04-12.

Conditions:
Maturity-onset diabetes of the young (MODY). Also called: Maturity onset diabetes mellitus in young. Identifiers: Orphanet 552, MedGen C0342276, MONDO:0018911, HP:0004904.
Monogenic diabetes. Identifiers: Orphanet 183625, MedGen C3888631, MONDO:0015967.
Hepatic adenomas, familial. Also called: HEPATIC ADENOMA, SOMATIC; LIVER CELL ADENOMAS, FAMILIAL. Identifiers: MedGen C1840646, MONDO:0007718, OMIM 142330.
Nonpapillary renal cell carcinoma. Identifiers: Orphanet 422526, MedGen CN074294, MONDO:0007763, OMIM 144700.
Maturity-onset diabetes of the young type 3. Also called: MODY, type III; MODY type 3. Identifiers: Orphanet 552, MedGen C1838100, MeSH C563933, MONDO:0010894, OMIM 600496. Disease mechanism: loss of function.
Type 1 diabetes mellitus 20 (T1D20). Also called: Diabetes mellitus, insulin-dependent, 20. Identifiers: MedGen C2675866, MONDO:0012919, OMIM 612520.
Diabetes mellitus type 1 (T1D). Also called: Type I diabetes mellitus; Diabetes Mellitus, Juvenile-Onset. Identifiers: MedGen C0011854, MONDO:0005147, OMIM 222100, HP:0100651.
Type 2 diabetes mellitus. Also called: Type II diabetes mellitus. Identifiers: MedGen C0011860, MeSH D003924, MONDO:0005148, OMIM 125853, HP:0005978.

Submissions (8):

ClinGen Monogenic Diabetes Variant Curation Expert Panel
Classification: Benign for Monogenic diabetes. Last evaluated: 2022-04-12. Review status: reviewed by expert panel. Criteria: ClinGen Diabetes ACMG Specifications v1 1. Collection method: curation. Allele origin: germline. Inheritance: Autosomal dominant inheritance.
Comment: The c.-160_-154dup variant in the HNF1 homeobox A gene, HNF1A, is located in the promoter of NM_000545.8. This variant has a Popmax Filtering allele frequency in gnomAD 2.1.1 of 0.013, which is greater thanthe MDEP threshold for BA1 (greater than or equal to 0.0001) (BA1). Additionally, this variant was identified in a patient with an alternate molecular basis for disease (BP5; internal lab contributors). In summary, c.-160_-154dup meets the criteria to be classified as benign for monogenic diabetes. ACMG/AMP criteria applied, as specified by the ClinGen MDEP (specification version 1.1, approved 9/30/21): BA1, BP5.

CeGaT Center for Human Genetics Tuebingen
Classification: Benign. Last evaluated: 2026-09-01. Review status: criteria provided, single submitter. Criteria: CeGaT Center For Human Genetics Tuebingen Variant Classification Criteria Version 2. Collection method: clinical testing. Allele origin: germline. Affected: yes. Observed: 18 variant alleles. Not counted in ClinVar's aggregate classification.
Comment: HNF1A: BS1, BS2

Blueprint Genetics
Classification: Likely benign. Last evaluated: 2024-11-26. Review status: criteria provided, single submitter. Criteria: ACMG Guidelines, 2015. Collection method: clinical testing. Allele origin: germline. Not counted in ClinVar's aggregate classification.

Fulgent Genetics
Classification: Likely benign for Type 2 diabetes mellitus; Hepatic adenomas, familial; Nonpapillary renal cell carcinoma; Diabetes mellitus type 1; Maturity-onset diabetes of the young type 3; Type 1 diabetes mellitus 20. Last evaluated: 2022-04-26. Review status: criteria provided, single submitter. Criteria: ACMG Guidelines, 2015. Collection method: clinical testing. Allele origin: unknown. Not counted in ClinVar's aggregate classification.

GeneDx
Classification: Likely benign. Last evaluated: 2018-08-25. Review status: criteria provided, single submitter. Criteria: GeneDx Variant Classification Process June 2021. Collection method: clinical testing. Allele origin: germline. Affected: yes. Not counted in ClinVar's aggregate classification.

Eurofins Ntd Llc (ga)
Classification: Uncertain significance. Last evaluated: 2016-06-09. Review status: criteria provided, single submitter. Criteria: EGL Classification Definitions. Collection method: clinical testing. Allele origin: germline. Observed: 1 variant allele, 1 heterozygote. Not counted in ClinVar's aggregate classification.

Clinical Genomics, Uppaluri K&H Personalized Medicine Clinic
Classification: Benign for Maturity-onset diabetes of the young. Review status: criteria provided, single submitter. Criteria: K & H Uppaluri Personalized Medicine Clinic Variant Classification & Assertion Criteria_Updated V.1. Collection method: research. Allele origin: unknown. Inheritance: Autosomal dominant inheritance. Not counted in ClinVar's aggregate classification.
Comment: Mutations in HNF1A gene can predispose to MODY3. It is associated with both micro and macrovascular complications of diabetes, especially cardiovascular complications. Associated with glucosuria. May respond well to sulfonylureas. However, more evidence is required to confer the association of this particular variant rs538476099 with MODY3.

Department of Pathology and Laboratory Medicine, Sinai Health System
Classification: Uncertain significance. Review status: no assertion criteria provided. Collection method: clinical testing. Allele origin: unknown. Affected: yes. Study: The Canadian Open Genetics Repository (COGR). Not counted in ClinVar's aggregate classification.

Literature cited by the submitters: PubMed 31517624 (cited by Clinical Genomics, Uppaluri K&H Personalized Medicine Clinic); PubMed 32395877 (cited by Clinical Genomics, Uppaluri K&H Personalized Medicine Clinic); PubMed 35328643 (cited by Clinical Genomics, Uppaluri K&H Personalized Medicine Clinic); PubMed 35673428 (cited by Clinical Genomics, Uppaluri K&H Personalized Medicine Clinic).

NM_000545.8(HNF1A):c.-167TGGGGGT[3]

Gene: HNF1A (HNF1 homeobox A; plus strand). Cytogenetic location: 12q24.31.
Variant type: Microsatellite.
Coding change: c.-167TGGGGGT[3] on transcript NM_000545.8 (MANE Select); three copies in a row of the 7-base unit TGGGGGT starting at c.-167; the reference has two copies in a row; one copy, 7 bases duplicated.
Molecular consequence: 5 prime UTR variant.
Genome position (GRCh38, 1-based): chr12:120,978,609-120,978,615, TGGGGGT duplicated; duplicating any 7 consecutive bases within chr12:120,978,598-120,978,615 gives the same sequence; the position shown is the placement nearest the transcript's 3' end. VCF-style (leftmost placement, unchanged base first): chr12-120978597-A-AGGGTTGG. GRCh37 (hg19) VCF-style: chr12-121416400-A-AGGGTTGG.
Other names: c.-167TGGGGGT[3] (NM_001306179.2); c.-160_-154dup (NM_000545.8).
Identifiers: ClinVar variation 288582 (VCV000288582.32), dbSNP rs538476099, ClinGen allele CA6831598.
Genomic context (GRCh38, chr12:120,978,597, plus strand): 5'-TTCCCCAGCTCCAATGTAAACAGAACAGGCAGGGGCCCTGATTCACGGGCCGCTGGGGCC[A>AGGGTTGG]GGGTTGGGGGTTGGGGGTGCCCACAGGGCTTGGCTAGTGGGGTTTTGGGGGGGCAGTGGG-3'